The following is an entry in ClinVar:

ClinVar aggregate classification (germline): Uncertain significance (1 of 4 stars; one submission).

Conditions:
Primary ciliary dyskinesia. Also called: Ciliary dyskinesia. Identifiers: Orphanet 244, MedGen C0008780, MONDO:0016575, HP:0012265.

Allele frequency attached by ClinVar (database versions not stated): gnomAD 0.00001 and 0.00002; TOPMed 0.00001; ExAC 0.00002; gnomAD exomes 0.00002; 1000 Genomes Project 30x 0.00016; 1000 Genomes Project 0.00020.
gnomAD v4.1: 31 of 1,614,102 alleles (0.0019%); highest among the groups gnomAD compares: East Asian, 0.027%; no homozygotes.

Submission:

Labcorp Genetics (formerly Invitae), Labcorp
Classification: Uncertain significance for Primary ciliary dyskinesia. Last evaluated: 2021-08-30. Review status: criteria provided, single submitter. Criteria: Invitae Variant Classification Sherloc (09022015). Collection method: clinical testing. Allele origin: germline.
Comment: This sequence change replaces arginine with glutamine at codon 301 of the CCDC40 protein (p.Arg301Gln). The arginine residue is moderately conserved and there is a small physicochemical difference between arginine and glutamine. This variant is present in population databases (rs191632512, ExAC 0.02%). This variant has not been reported in the literature in individuals affected with CCDC40-related conditions. Algorithms developed to predict the effect of missense changes on protein structure and function (SIFT, PolyPhen-2, Align-GVGD) all suggest that this variant is likely to be tolerated. In summary, the available evidence is currently insufficient to determine the role of this variant in disease. Therefore, it has been classified as a Variant of Uncertain Significance.

NM_017950.4(CCDC40):c.902G>A (p.Arg301Gln)

Gene: CCDC40 (coiled-coil domain 40 molecular ruler complex subunit; plus strand). Cytogenetic location: 17q25.3.
Variant type: single nucleotide variant.
Coding change: c.902G>A on transcript NM_017950.4 (MANE Select); coding-DNA position 902, G replaced by A.
Protein change: p.Arg301Gln; replaces arginine 301 with glutamine.
Molecular consequence: missense variant.
Genome position (GRCh38, 1-based): chr17:80,049,952, G>A. VCF-style: chr17-80049952-G-A. GRCh37 (hg19) VCF-style: chr17-78023751-G-A.
Other names: c.902G>A, p.Arg301Gln (NM_001243342.2, NM_001330508.2); short protein forms R301Q.
Identifiers: ClinVar variation 407774 (VCV000407774.6), dbSNP rs191632512, ClinGen allele CA8813610.